The following is an entry in ClinVar:

ClinVar aggregate classification (germline): Uncertain significance (1 of 4 stars; one submission).

Submission:

Labcorp Genetics (formerly Invitae), Labcorp
Classification: Uncertain significance. Last evaluated: 2022-02-21. Review status: criteria provided, single submitter. Criteria: Invitae Variant Classification Sherloc (09022015). Collection method: clinical testing. Allele origin: germline.
Comment: This sequence change replaces serine, which is neutral and polar, with phenylalanine, which is neutral and non-polar, at codon 98 of the PITPNM3 protein (p.Ser98Phe). This variant is not present in population databases (gnomAD no frequency). This variant has not been reported in the literature in individuals affected with PITPNM3-related conditions. Algorithms developed to predict the effect of missense changes on protein structure and function are either unavailable or do not agree on the potential impact of this missense change (SIFT: "Deleterious"; PolyPhen-2: "Possibly Damaging"; Align-GVGD: "Class C0"). In summary, the available evidence is currently insufficient to determine the role of this variant in disease. Therefore, it has been classified as a Variant of Uncertain Significance.

NM_031220.4(PITPNM3):c.293C>T (p.Ser98Phe)

Gene: PITPNM3 (PITPNM family member 3; minus strand). Cytogenetic location: 17p13.2.
Variant type: single nucleotide variant.
Coding change: c.293C>T on transcript NM_031220.4 (MANE Select); coding-DNA position 293, C replaced by T.
Protein change: p.Ser98Phe; replaces serine 98 with phenylalanine.
Molecular consequence: missense variant.
Genome position (GRCh38, 1-based): chr17:6,484,274, G>A on the plus strand (C>T on the coding strand, the complement: PITPNM3 is on the minus strand). VCF-style: chr17-6484274-G-A. GRCh37 (hg19) VCF-style: chr17-6387594-G-A.
Other names: c.185C>T, p.Ser62Phe (NM_001165966.2); short protein forms S62F, S98F.
Identifiers: ClinVar variation 2100964 (VCV002100964.4), dbSNP rs2544034978, ClinGen allele CA397411625.
Genomic context (GRCh38, chr17:6,484,274, plus strand): 5'-ACCTCGCTGTCTTCGTGGATCTCGATGCTTCCCTGGGCTGGGAACCTCTGTCTTCTCAAG[G>A]AAACCCGGTACAGTTCTCCTGCAGAGGGAAAGAGGGGAGCTCAGCATCTCCAGGCTTCCC-3'
Protein context (NP_112497.2, residues 88-108): QEKQRELYRV[Ser98Phe]LRRQRFPAQG